The following is an entry in ClinVar:

GRCh37/hg19 5p15.33(chr5:55550-159673)x3

Gene: PLEKHG4B (pleckstrin homology and RhoGEF domain containing G4B; plus strand). Cytogenetic location: 5p15.33.
Variant type: copy number gain.
Change: copy number 3 (three copies instead of two) of chr5:55,550-159,673 (104.1 kb, GRCh37 coordinates, 1-based), cytogenetic band 5p15.33.
Identifiers: ClinVar variation 202215 (VCV000202215.4).

ClinVar aggregate classification (germline): Benign (1 of 4 stars; one submission).

Submission:

Cytogenetics Laboratory, University of Washington
Classification: Benign. Last evaluated: 2015-01-22. Review status: criteria provided, single submitter. Criteria: UW Cytogenetics and Genomics Laboratory Policy on CNV Interpretation (5/6/2015). Collection method: clinical testing. Allele origin: unknown. Affected: yes. Observed: 1 variant allele.